The following is an entry in ClinVar:

NM_030928.4(CDT1):c.832+2T>G

Gene: CDT1 (chromatin licensing and DNA replication factor 1; plus strand). Cytogenetic location: 16q24.3.
Variant type: single nucleotide variant.
Coding change: c.832+2T>G on transcript NM_030928.4 (MANE Select); the canonical splice donor site of the intron after coding-DNA position 832, T replaced by G.
Molecular consequence: splice donor variant.
Genome position (GRCh38, 1-based): chr16:88,805,871, T>G. VCF-style: chr16-88805871-T-G. GRCh37 (hg19) VCF-style: chr16-88872279-T-G.
Identifiers: ClinVar variation 2070672 (VCV002070672.4), dbSNP rs2508205765, ClinGen allele CA397077364.

ClinVar aggregate classification (germline): Likely pathogenic (1 of 4 stars; one submission).

Submission:

Labcorp Genetics (formerly Invitae), Labcorp
Classification: Likely pathogenic. Last evaluated: 2022-01-02. Review status: criteria provided, single submitter. Criteria: Invitae Variant Classification Sherloc (09022015). Collection method: clinical testing. Allele origin: germline.
Comment: This variant is not present in population databases (gnomAD no frequency). Algorithms developed to predict the effect of sequence changes on RNA splicing suggest that this variant may disrupt the consensus splice site. This variant has not been reported in the literature in individuals affected with CDT1-related conditions. In summary, the currently available evidence indicates that the variant is pathogenic, but additional data are needed to prove that conclusively. Therefore, this variant has been classified as Likely Pathogenic. This sequence change affects a donor splice site in intron 5 of the CDT1 gene. It is expected to disrupt RNA splicing. Variants that disrupt the donor or acceptor splice site typically lead to a loss of protein function (PMID: 16199547), and loss-of-function variants in CDT1 are known to be pathogenic (PMID: 21358632, 22333897).

Literature cited by the submitters: PubMed 16199547; PubMed 21358632; PubMed 22333897.